The following is an entry in ClinVar:

ClinVar aggregate classification (germline): Likely benign. Review status: criteria provided, single submitter (1 of 4 stars). 2 submissions from 2 submitters: Likely benign (1). 1 of the submissions does not count toward it. Last evaluated 2023-02-01.

Conditions:
PPRC1-related disorder. Also called: PPRC1-related condition.

Allele frequency attached by ClinVar (database versions not stated): TOPMed 0.00037; gnomAD 0.00042; gnomAD exomes 0.00066; ExAC 0.00071; 1000 Genomes Project 30x 0.00219; 1000 Genomes Project 0.00280.

Submissions (2):

CeGaT Center for Human Genetics Tuebingen
Classification: Likely benign. Last evaluated: 2023-02-01. Review status: criteria provided, single submitter. Criteria: CeGaT Center For Human Genetics Tuebingen Variant Classification Criteria Version 2. Collection method: clinical testing. Allele origin: germline. Affected: yes. Observed: 1 variant allele.
Comment: PPRC1: BP4, BP7, BS2

PreventionGenetics, part of Exact Sciences
Classification: Benign for PPRC1-related condition. Last evaluated: 2019-05-28. Review status: no assertion criteria provided. Collection method: clinical testing. Allele origin: germline. Not counted in ClinVar's aggregate classification.
Comment: This variant is classified as benign based on ACMG/AMP sequence variant interpretation guidelines (Richards et al. 2015 PMID: 25741868, with internal and published modifications).

NM_015062.5(PPRC1):c.624C>T (p.Asp208=)

Genes: PPRC1 (PPARG related coactivator 1; plus strand), LOC126861022 (CDK7 strongly-dependent group 2 enhancer GRCh37_chr10:103897995-103899194; plus strand). Cytogenetic location: 10q24.32.
Variant type: single nucleotide variant.
Coding change: c.624C>T on transcript NM_015062.5 (MANE Select); coding-DNA position 624, C replaced by T.
Protein change: p.Asp208=; no amino-acid change (aspartic acid 208 retained).
Molecular consequence: synonymous variant.
Genome position (GRCh38, 1-based): chr10:102,139,132, C>T. VCF-style: chr10-102139132-C-T. GRCh37 (hg19) VCF-style: chr10-103898889-C-T.
Other names: c.624C>T, p.Asp208= (NM_001288727.2); c.264C>T, p.Asp88= (NM_001288728.2); c.624C>T (NM_015062.4).
Identifiers: ClinVar variation 2640778 (VCV002640778.25), dbSNP rs17847383, ClinGen allele CA5660716.
Genomic context (GRCh38, chr10:102,139,132, plus strand): 5'-CTCCTGAGACCTCTCTTCTCTCCTGCAGGTTGAAATGTCTCTTCCAGATCCCTCTTGGGA[C>T]TTCTCCCCACCCTCTTTCTTAGAGACCTCTTCCCCCAAGCTTCCTAGCTGGAGACCCCCA-3'
Protein context (NP_055877.3, residues 198-218): VEMSLPDPSW[Asp208=]FSPPSFLETS